The following is an entry in ClinVar:

NM_000132.4(F8):c.2162T>C (p.Met721Thr)

Gene: F8 (coagulation factor VIII; minus strand). Cytogenetic location: Xq28.
Variant type: single nucleotide variant.
Coding change: c.2162T>C on transcript NM_000132.4 (MANE Select); coding-DNA position 2162, T replaced by C.
Protein change: p.Met721Thr; replaces methionine 721 with threonine.
Molecular consequence: missense variant.
Genome position (GRCh38, 1-based): chrX:154,931,628, A>G on the plus strand (T>C on the coding strand, the complement: F8 is on the minus strand). VCF-style: chrX-154931628-A-G. GRCh37 (hg19) VCF-style: chrX-154159903-A-G.
Other names: short protein forms M721T.
Identifiers: ClinVar variation 1330871 (VCV001330871.7), dbSNP rs1314906579, ClinGen allele CA414903731.
Genomic context (GRCh38, chrX:154,931,628, plus strand): 5'-CTGTCCTCGTAATAATCACCAGTGTTCTTGTCACAACTAGAAACCTTCAGTAAGGCGGTC[A>G]TGCCTCTGTTCCGAAAGTCTGAGTTGTGGCACCCCAGAATCCATAGACCTGGAGATGAGG-3'
Protein context (NP_000123.1, residues 711-731): CHNSDFRNRG[Met721Thr]TALLKVSSCD

ClinVar aggregate classification (germline): Pathogenic (1 of 4 stars; one submission).

Conditions:
Hereditary factor VIII deficiency disease (HEMA). Also called: HEMOPHILIA, CLASSIC; AUTOSOMAL HEMOPHILIA A; Hemophilia A; Hemophilia A, congenital; HEM A; Factor 8 deficiency, congenital. Identifiers: Orphanet 98878, MedGen C0019069, MONDO:0010602, OMIM 306700.

Allele frequency attached by ClinVar (database versions not stated): TOPMed 0.00002.

Submission:

ARUP Laboratories, Molecular Genetics and Genomics, ARUP Laboratories
Classification: Pathogenic for Hereditary factor VIII deficiency disease. Last evaluated: 2021-08-24. Review status: criteria provided, single submitter. Criteria: ARUP Molecular Germline Variant Investigation Process 2021. Collection method: clinical testing. Allele origin: germline.
Comment: The F8 c.2162T>C; p.Met721Thr variant (rs1314906579) is reported in the literature in multiple individuals affected with severe hemophilia A (see link to F8 database and references therein). This variant is absent from the Genome Aggregation Database, indicating it is not a common polymorphism. Additionally, other amino acid substitutions at this codon (Met721Leu, Met721Val, Met721Ile) have been reported in individuals with mild to severe hemophilia A and are considered pathogenic (F8 database, Johnsen 2017, Liu 2002, Santacroce 2008). The methionine at codon 721 is moderately conserved, and computational analyses predict that this variant is deleterious (REVEL: 0.946). Based on available information, this variant is considered to be pathogenic. References: Link to F8 database: Johnsen JM et al. Novel approach to genetic analysis and results in 3000 hemophilia patients enrolled in the My Life, Our Future initiative. Blood Adv. 2017 May 18;1(13):824-834. PMID: 29296726. Liu ML et al. Non-inversion factor VIII mutations in 80 hemophilia A families including 24 with alloimmune responses. Thromb Haemost. 2002 Feb;87(2):273-6. PMID: 11858487. Santacroce R et al. Identification of 217 unreported mutations in the F8 gene in a group of 1,410 unselected Italian patients with hemophilia A. J Hum Genet. 2008;53(3):275-284. PMID: 18217193.